The following is an entry in ClinVar:

ClinVar aggregate classification (germline): Uncertain significance (1 of 4 stars; one submission).

gnomAD v4.1: 2 of 1,613,778 alleles (0.00012%); highest among the groups gnomAD compares: African/African-American, 0.0027%; no homozygotes.

Submission:

Labcorp Genetics (formerly Invitae), Labcorp
Classification: Uncertain significance. Last evaluated: 2021-04-29. Review status: criteria provided, single submitter. Criteria: Invitae Variant Classification Sherloc (09022015). Collection method: clinical testing. Allele origin: germline.
Comment: In summary, the available evidence is currently insufficient to determine the role of this variant in disease. Therefore, it has been classified as a Variant of Uncertain Significance. Algorithms developed to predict the effect of missense changes on protein structure and function are either unavailable or do not agree on the potential impact of this missense change (SIFT: "Not Available"; PolyPhen-2: "Probably Damaging"; Align-GVGD: "Not Available"). This variant has not been reported in the literature in individuals with MYO18B-related conditions. This variant is not present in population databases (ExAC no frequency). This sequence change replaces glutamic acid with glutamine at codon 1062 of the MYO18B protein (p.Glu1062Gln). The glutamic acid residue is weakly conserved and there is a small physicochemical difference between glutamic acid and glutamine.

NM_032608.7(MYO18B):c.3184G>C (p.Glu1062Gln)

Gene: MYO18B (myosin XVIIIB; plus strand). Cytogenetic location: 22q12.1.
Variant type: single nucleotide variant.
Coding change: c.3184G>C on transcript NM_032608.7 (MANE Select); coding-DNA position 3184, G replaced by C.
Protein change: p.Glu1062Gln; replaces glutamic acid 1062 with glutamine.
Molecular consequence: missense variant.
Genome position (GRCh38, 1-based): chr22:25,835,419, G>C. VCF-style: chr22-25835419-G-C. GRCh37 (hg19) VCF-style: chr22-26231386-G-C.
Other names: c.3187G>C, p.Glu1063Gln (NM_001318245.2); short protein forms E1063Q, E1062Q.
Identifiers: ClinVar variation 1509527 (VCV001509527.6), dbSNP rs780365829, ClinGen allele CA411002494.